The following is an entry in ClinVar:

ClinVar aggregate classification (germline): Pathogenic. Review status: criteria provided, multiple submitters, no conflicts (2 of 4 stars). 5 submissions from 5 submitters: Pathogenic (4). 1 of the submissions does not count toward it. Last evaluated 2026-01-16.

Conditions:
Homocystinuria. Identifiers: MedGen C0019880, MONDO:0004737, HP:0002156.
Classic homocystinuria. Also called: Homocystinuria due to Cystathionine Beta-Synthase Deficiency; Homocystinuria due to CBS deficiency; Cystathionine beta-synthase deficiency; CBS deficiency; HOMOCYSTINURIA WITH OR WITHOUT RESPONSE TO PYRIDOXINE. Identifiers: Orphanet 394, MedGen C0751202, MONDO:0009352, OMIM 236200.
HYPERHOMOCYSTEINEMIA, THROMBOTIC, CBS-RELATED. Identifiers: MedGen C3150344, OMIM 236200.

Allele frequency attached by ClinVar (database versions not stated): ExAC 0.00001; gnomAD exomes below 0.00001 and 0.00001.
gnomAD v4.1: 6 of 832,052 alleles (0.00072%); highest among the groups gnomAD compares: Admixed American, 0.0065%; 1 homozygote.

Submissions (5):

Labcorp Genetics (formerly Invitae), Labcorp
Classification: Pathogenic for HYPERHOMOCYSTEINEMIA, THROMBOTIC, CBS-RELATED. Last evaluated: 2026-01-16. Review status: criteria provided, single submitter. Criteria: Invitae Variant Classification Sherloc (09022015). Collection method: clinical testing. Allele origin: germline.
Comment: This sequence change replaces glycine, which is neutral and non-polar, with arginine, which is basic and polar, at codon 116 of the CBS protein (p.Gly116Arg). The frequency data for this variant in the population databases is considered unreliable, as metrics indicate poor data quality at this position in the gnomAD database. This missense change has been observed in individual(s) with homocystinuria (PMID: 25455305, 29508359). In at least one individual the data is consistent with being in trans (on the opposite chromosome) from a pathogenic variant. It has also been observed to segregate with disease in related individuals. ClinVar contains an entry for this variant (Variation ID: 188787). Invitae Evidence Modeling of protein sequence and biophysical properties (such as structural, functional, and spatial information, amino acid conservation, physicochemical variation, residue mobility, and thermodynamic stability) indicates that this missense variant is expected to disrupt CBS protein function with a positive predictive value of 95%. Experimental studies have shown that this missense change affects CBS function (PMID: 20066033). For these reasons, this variant has been classified as Pathogenic.

Natera, Inc.
Classification: Pathogenic for Homocystinuria due to cystathionine beta-synthase deficiency. Last evaluated: 2025-06-09. Review status: criteria provided, single submitter. Criteria: Natera Variant Classification Schema (03/2026). Collection method: clinical testing. Allele origin: germline.
Comment: The c.346G>A variant in CBS is a missense variant predicted to cause substitution of glycine to arginine at amino acid 116. This variant is rare in the general population with a frequency below the threshold expected for the associated phenotype(s). This variant has been observed in one or more individuals affected with the associated recessive disease, as either homozygous or compound heterozygous with a second variant (PMID: 9587029, 30853492, 25455305, 25689098). Additionally, this variant has been observed to segregate in affected family members (PMID: 10687314). Functional studies show that this variant may disrupt protein function (PMID: 10687314, 20066033). Computational prediction algorithms indicate this variant is likely to affect gene or protein function. Given the available evidence, this variant is classified as Pathogenic.

Baylor Genetics
Classification: Pathogenic for Classic homocystinuria. Last evaluated: 2024-03-19. Review status: criteria provided, single submitter. Criteria: ACMG Guidelines, 2015. Collection method: clinical testing. Allele origin: unknown.

Women's Health and Genetics/Laboratory Corporation of America, LabCorp
Classification: Pathogenic for Homocystinuria. Last evaluated: 2022-02-27. Review status: criteria provided, single submitter. Criteria: LabCorp Variant Classification Summary - May 2015. Collection method: clinical testing. Allele origin: germline.
Comment: Variant summary: CBS c.346G>A (p.Gly116Arg) results in a non-conservative amino acid change located in the Pyridoxal-phosphate dependent enzyme domain (IPR001926) of the encoded protein sequence. Five of five in-silico tools predict a damaging effect of the variant on protein function. The variant allele was found at a frequency of 4e-06 in 251070 control chromosomes. c.346G>A has been reported in the literature as homozygous and compound heterozygous genotypes in multiple individuals affected with Homocystinuria (example, Suri_2014, Chen_1999). These data indicate that the variant is very likely to be associated with disease. At least one publication reports experimental evidence evaluating an impact on protein function (example, Singh_CBS_PLoSGenetics_2010). The most pronounced variant effect results in complete absence of normal cystathionine beta-synthase (CBS) enzyme activity in a yeast in-vitro system. One clinical diagnostic laboratory has submitted clinical-significance assessments for this variant to ClinVar after 2014 and classified the variant as pathogenic. Based on the evidence outlined above, the variant was classified as pathogenic.

Counsyl
Classification: Likely pathogenic for Homocystinuria due to CBS deficiency. Last evaluated: 2014-05-16. Review status: no assertion criteria provided. Collection method: literature only. Allele origin: unknown. Inheritance: Autosomal recessive inheritance. Not counted in ClinVar's aggregate classification.

Literature cited by the submitters: PubMed 25455305 (cited by 3 submitters); PubMed 29508359 (cited by Labcorp Genetics (formerly Invitae), Labcorp); PubMed 20066033 (cited by 3 submitters); PubMed 9587029 (cited by Natera, Inc. and Counsyl); PubMed 30853492 (cited by Natera, Inc.); PubMed 25689098 (cited by Natera, Inc.); PubMed 10687314 (cited by 3 submitters); PubMed 12828591 (cited by Counsyl); PubMed 12686134 (cited by Counsyl); PubMed 14722927 (cited by Counsyl); PubMed 22267502 (cited by Counsyl); PubMed 8803779 (cited by Counsyl).

NM_000071.3(CBS):c.346G>A (p.Gly116Arg)

Gene: CBS (cystathionine beta-synthase; minus strand). Cytogenetic location: 21q22.3.
Variant type: single nucleotide variant.
Coding change: c.346G>A on transcript NM_000071.3 (MANE Select); coding-DNA position 346, G replaced by A.
Protein change: p.Gly116Arg; replaces glycine 116 with arginine.
Molecular consequence: missense variant.
Genome position (GRCh38, 1-based): chr21:43,066,348, C>T on the plus strand (G>A on the coding strand, the complement: CBS is on the minus strand). VCF-style: chr21-43066348-C-T. GRCh37 (hg19) VCF-style: chr21-44486458-C-T.
Other names: c.346G>A, p.Gly116Arg (NM_001178008.3, NM_001178009.3, NM_001320298.2); c.31G>A, p.Gly11Arg (NM_001321072.1); short protein forms G116R, G11R.
Identifiers: ClinVar variation 188787 (VCV000188787.20), dbSNP rs760214620, ClinGen allele CA273957.